The following is an entry in ClinVar:

NM_002430.3(MN1):c.3104A>T (p.Asp1035Val)

Gene: MN1 (MN1 proto-oncogene, transcriptional regulator; minus strand). Cytogenetic location: 22q12.1.
Variant type: single nucleotide variant.
Coding change: c.3104A>T on transcript NM_002430.3 (MANE Select); coding-DNA position 3104, A replaced by T.
Protein change: p.Asp1035Val; replaces aspartic acid 1035 with valine.
Molecular consequence: missense variant.
Genome position (GRCh38, 1-based): chr22:27,797,440, T>A on the plus strand (A>T on the coding strand, the complement: MN1 is on the minus strand). VCF-style: chr22-27797440-T-A. GRCh37 (hg19) VCF-style: chr22-28193428-T-A.
Other names: short protein forms D1035V.
Identifiers: ClinVar variation 1311566 (VCV001311566.2), dbSNP rs2146315783, ClinGen allele CA411043525.

ClinVar aggregate classification (germline): Uncertain significance (1 of 4 stars; one submission).

Submission:

GeneDx
Classification: Uncertain significance. Last evaluated: 2019-12-26. Review status: criteria provided, single submitter. Criteria: GeneDx Variant Classification Process June 2021. Collection method: clinical testing. Allele origin: germline. Affected: yes.
Comment: Not observed in large population cohorts (Lek et al., 2016); Has not been previously published as pathogenic or benign to our knowledge; In silico analysis, which includes protein predictors and evolutionary conservation, supports a deleterious effect; In addition, in silico splice predictors suggest this variant may lead to abnormal gene splicing. In the absence of RNA/functional studies, the actual effect of this sequence change is unknown